The following is an entry in ClinVar:

NM_014608.6(CYFIP1):c.1424C>G (p.Ala475Gly)

Gene: CYFIP1 (cytoplasmic FMR1 interacting protein 1; minus strand). Cytogenetic location: 15q11.2.
Variant type: single nucleotide variant.
Coding change: c.1424C>G on transcript NM_014608.6 (MANE Select); coding-DNA position 1424, C replaced by G.
Protein change: p.Ala475Gly; replaces alanine 475 with glycine.
Molecular consequence: missense variant. On other transcripts: 5 prime UTR variant (1).
Genome position (GRCh38, 1-based): chr15:22,918,794, G>C on the plus strand (C>G on the coding strand, the complement: CYFIP1 is on the minus strand). VCF-style: chr15-22918794-G-C. GRCh37 (hg19) VCF-style: chr15-22954274-C-G.
Other names: c.1424C>G, p.Ala475Gly (NM_001324123.3, NM_001287810.4, NM_001324120.2); c.1334C>G, p.Ala445Gly (NM_001324124.3); c.1058C>G, p.Ala353Gly (NM_001324125.3); c.1322C>G, p.Ala441Gly (NM_001324126.3); c.1526C>G, p.Ala509Gly (NM_001324119.2); c.-405C>G (NM_001324122.3); short protein forms A353G, A441G, A445G, A475G, A509G.
Identifiers: ClinVar variation 2644947 (VCV002644947.24), dbSNP rs2507405684, ClinGen allele CA391309254.

ClinVar aggregate classification (germline): Uncertain significance (1 of 4 stars; one submission).

Allele frequency attached by ClinVar (database versions not stated): gnomAD exomes below 0.00001.
gnomAD v4.1: 1 of 1,613,448 alleles (0.000062%); highest among the groups gnomAD compares: Non-Finnish European, 0.000085%; no homozygotes.

Submission:

CeGaT Center for Human Genetics Tuebingen
Classification: Uncertain significance. Last evaluated: 2023-01-01. Review status: criteria provided, single submitter. Criteria: CeGaT Center For Human Genetics Tuebingen Variant Classification Criteria Version 2. Collection method: clinical testing. Allele origin: germline. Affected: yes. Observed: 1 variant allele.
Comment: CYFIP1: PM2